The following is an entry in ClinVar:

NM_002471.4(MYH6):c.3562G>A (p.Glu1188Lys)

Gene: MYH6 (myosin heavy chain 6; minus strand). Cytogenetic location: 14q11.2.
Variant type: single nucleotide variant.
Coding change: c.3562G>A on transcript NM_002471.4 (MANE Select); coding-DNA position 3562, G replaced by A.
Protein change: p.Glu1188Lys; replaces glutamic acid 1188 with lysine.
Molecular consequence: missense variant.
Genome position (GRCh38, 1-based): chr14:23,390,227, C>T on the plus strand (G>A on the coding strand, the complement: MYH6 is on the minus strand). VCF-style: chr14-23390227-C-T. GRCh37 (hg19) VCF-style: chr14-23859436-C-T.
Other names: c.3562G>A (NM_002471.3); short protein forms E1188K.
Identifiers: ClinVar variation 1375040 (VCV001375040.11), dbSNP rs767223211, ClinGen allele CA257784094.

ClinVar aggregate classification (germline): Uncertain significance. Review status: criteria provided, multiple submitters, no conflicts (2 of 4 stars). 3 submissions from 3 submitters: Uncertain significance (3). Last evaluated 2026-09-01.

Conditions:
Cardiovascular phenotype. Identifiers: MedGen CN230736.
Sick sinus syndrome 3, susceptibility to (SSS3). Identifiers: Orphanet 166282, MedGen C3279791, MONDO:0013568, OMIM 614090.
Dilated cardiomyopathy 1EE (CMD1EE). Identifiers: Orphanet 154, MedGen C2750466, MONDO:0013198, OMIM 613252.
Hypertrophic cardiomyopathy 14. Identifiers: MedGen C2750467, MONDO:0013197, OMIM 613251.
Hypertrophic cardiomyopathy 1 (CMH1). Also called: MYH7-Related Familial Hypertrophic Cardiomyopathy; Familial hypertrophic cardiomyopathy 1. Identifiers: MedGen C3495498, MONDO:0008647, OMIM 192600.
Atrial septal defect 3 (ASD3). Identifiers: Orphanet 1478, MedGen C3279790, MONDO:0013567, OMIM 614089.

Allele frequency attached by ClinVar (database versions not stated): gnomAD exomes below 0.00001; TOPMed below 0.00001.

Submissions (3):

Ambry Genetics
Classification: Uncertain significance for Cardiovascular phenotype. Last evaluated: 2026-09-01. Review status: criteria provided, single submitter. Criteria: Ambry Variant Classification Scheme 2023. Collection method: clinical testing. Allele origin: germline.
Comment: The c.3562G>A (p.E1188K) alteration is located in exon 26 (coding exon 24) of the MYH6 gene. This alteration results from a G to A substitution at nucleotide position 3562, causing the glutamic acid (E) at amino acid position 1188 to be replaced by a lysine (K). Based on data from gnomAD, the A allele has an overall frequency of <0.001% (1/215340) total alleles studied. The highest observed frequency was <0.001% (/) of alleles. Based on insufficient or conflicting evidence, the clinical significance of this alteration remains unclear.

Labcorp Genetics (formerly Invitae), Labcorp
Classification: Uncertain significance for Hypertrophic cardiomyopathy 14. Last evaluated: 2024-12-16. Review status: criteria provided, single submitter. Criteria: Invitae Variant Classification Sherloc (09022015). Collection method: clinical testing. Allele origin: germline.
Comment: This sequence change replaces glutamic acid, which is acidic and polar, with lysine, which is basic and polar, at codon 1188 of the MYH6 protein (p.Glu1188Lys). This variant is present in population databases (no rsID available, gnomAD 0.01%). This variant has not been reported in the literature in individuals affected with MYH6-related conditions. ClinVar contains an entry for this variant (Variation ID: 1375040). Invitae Evidence Modeling of protein sequence and biophysical properties (such as structural, functional, and spatial information, amino acid conservation, physicochemical variation, residue mobility, and thermodynamic stability) indicates that this missense variant is not expected to disrupt MYH6 protein function with a negative predictive value of 80%. In summary, the available evidence is currently insufficient to determine the role of this variant in disease. Therefore, it has been classified as a Variant of Uncertain Significance.

Fulgent Genetics
Classification: Uncertain significance for Hypertrophic cardiomyopathy 1; Hypertrophic cardiomyopathy 14; Dilated cardiomyopathy 1EE; Atrial septal defect 3; Sick sinus syndrome 3, susceptibility to. Last evaluated: 2021-08-23. Review status: criteria provided, single submitter. Criteria: ACMG Guidelines, 2015. Collection method: clinical testing. Allele origin: unknown.